The following is an entry in ClinVar:

NM_001853.4(COL9A3):c.1603+3A>G

Genes: COL9A3 (collagen type IX alpha 3 chain; plus strand), LOC126863084 (MED14-independent group 3 enhancer GRCh37_chr20:61467141-61468340; plus strand). Cytogenetic location: 20q13.33.
Variant type: single nucleotide variant.
Coding change: c.1603+3A>G on transcript NM_001853.4 (MANE Select); 3 bases into the intron after coding-DNA position 1603, A replaced by G.
Molecular consequence: intron variant.
Genome position (GRCh38, 1-based): chr20:62,836,535, A>G. VCF-style: chr20-62836535-A-G. GRCh37 (hg19) VCF-style: chr20-61467887-A-G.
Identifiers: ClinVar variation 1369941 (VCV001369941.6), dbSNP rs1359936090, ClinGen allele CA636612243.
Genomic context (GRCh38, chr20:62,836,535, plus strand): 5'-CAGGGGAAGGAGGCCAGCGAGCAGCGCATCAGGGAGCTGTGTGGGGGGATGATCAGCGGT[A>G]AGTCAGCCACGTGCACCGGCTGCAGCGGGGCCCATCCCCGCCTGGGGGTCCCGTGCCTGG-3'

ClinVar aggregate classification (germline): Uncertain significance (1 of 4 stars; one submission).

Allele frequency attached by ClinVar (database versions not stated): gnomAD exomes below 0.00001.
gnomAD v4.1: 5 of 1,609,608 alleles (0.00031%); highest among the groups gnomAD compares: Non-Finnish European, 0.00042%; no homozygotes.

Submission:

Labcorp Genetics (formerly Invitae), Labcorp
Classification: Uncertain significance. Last evaluated: 2021-02-04. Review status: criteria provided, single submitter. Criteria: Invitae Variant Classification Sherloc (09022015). Collection method: clinical testing. Allele origin: germline.
Comment: This sequence change falls in intron 29 of the COL9A3 gene. It does not directly change the encoded amino acid sequence of the COL9A3 protein. It affects a nucleotide within the consensus splice site of the intron. This variant is not present in population databases (ExAC no frequency). This variant has not been reported in the literature in individuals with COL9A3-related conditions. Nucleotide substitutions within the consensus splice site are a relatively common cause of aberrant splicing (PMID: 17576681, 9536098). Algorithms developed to predict the effect of sequence changes on RNA splicing suggest that this variant is not likely to affect RNA splicing, but this prediction has not been confirmed by published transcriptional studies. In summary, the available evidence is currently insufficient to determine the role of this variant in disease. Therefore, it has been classified as a Variant of Uncertain Significance.

Literature cited by the submitters: PubMed 17576681; PubMed 9536098.